The following is an entry in ClinVar:

ClinVar aggregate classification (germline): Uncertain significance (1 of 4 stars; one submission).

Conditions:
Gastrointestinal stromal tumor. Also called: Gastrointestinal stroma tumor; Gastrointestinal stromal tumor, somatic. Identifiers: Orphanet 44890, MedGen C0238198, MeSH D046152, MONDO:0011719, OMIM 606764, HP:0100723.

gnomAD v4.1: 1 of 1,613,170 alleles (0.000062%); highest among the groups gnomAD compares: South Asian, 0.0011%; no homozygotes.

Submission:

Labcorp Genetics (formerly Invitae), Labcorp
Classification: Uncertain significance for Gastrointestinal stromal tumor. Last evaluated: 2024-03-20. Review status: criteria provided, single submitter. Criteria: Invitae Variant Classification Sherloc (09022015). Collection method: clinical testing. Allele origin: germline.
Comment: This sequence change replaces aspartic acid, which is acidic and polar, with glutamic acid, which is acidic and polar, at codon 985 of the PDGFRA protein (p.Asp985Glu). This variant is not present in population databases (gnomAD no frequency). This variant has not been reported in the literature in individuals affected with PDGFRA-related conditions. ClinVar contains an entry for this variant (Variation ID: 1972258). Advanced modeling of protein sequence and biophysical properties (such as structural, functional, and spatial information, amino acid conservation, physicochemical variation, residue mobility, and thermodynamic stability) performed at Invitae indicates that this missense variant is not expected to disrupt PDGFRA protein function with a negative predictive value of 80%. In summary, the available evidence is currently insufficient to determine the role of this variant in disease. Therefore, it has been classified as a Variant of Uncertain Significance.

NM_006206.6(PDGFRA):c.2955C>A (p.Asp985Glu)

Gene: PDGFRA (platelet derived growth factor receptor alpha; plus strand). Cytogenetic location: 4q12.
Variant type: single nucleotide variant.
Coding change: c.2955C>A on transcript NM_006206.6 (MANE Select); coding-DNA position 2955, C replaced by A.
Protein change: p.Asp985Glu; replaces aspartic acid 985 with glutamic acid.
Molecular consequence: missense variant.
Genome position (GRCh38, 1-based): chr4:54,290,387, C>A. VCF-style: chr4-54290387-C-A. GRCh37 (hg19) VCF-style: chr4-55156554-C-A.
Other names: c.3030C>A, p.Asp1010Glu (NM_001347828.2); c.2955C>A, p.Asp985Glu (NM_001347829.2); c.2994C>A, p.Asp998Glu (NM_001347830.2); short protein forms D998E, D985E, D1010E.
Identifiers: ClinVar variation 1972258 (VCV001972258.5), dbSNP rs761412533, ClinGen allele CA356896064.
Genomic context (GRCh38, chr4:54,290,387, plus strand): 5'-TCACCTGGACTTCCTGAAGAGTGACCATCCTGCTGTGGCACGCATGCGTGTGGACTCAGA[C>A]AATGCATACATTGGTGTCACCTACAAAAACGAGGAAGACAAGCTGAAGGACTGGGAGGGT-3'
Protein context (NP_006197.1, residues 975-995): PAVARMRVDS[Asp985Glu]NAYIGVTYKN